The following is an entry in ClinVar:

NM_000302.4(PLOD1):c.563T>G (p.Leu188Trp)

Gene: PLOD1 (procollagen-lysine,2-oxoglutarate 5-dioxygenase 1; plus strand). Cytogenetic location: 1p36.22.
Variant type: single nucleotide variant.
Coding change: c.563T>G on transcript NM_000302.4 (MANE Select); coding-DNA position 563, T replaced by G.
Protein change: p.Leu188Trp; replaces leucine 188 with tryptophan.
Molecular consequence: missense variant.
Genome position (GRCh38, 1-based): chr1:11,952,719, T>G. VCF-style: chr1-11952719-T-G. GRCh37 (hg19) VCF-style: chr1-12012776-T-G.
Other names: c.704T>G, p.Leu235Trp (NM_001316320.2); short protein forms L188W, L235W.
Identifiers: ClinVar variation 839290 (VCV000839290.7), dbSNP rs1645711960, ClinGen allele CA338428423.

ClinVar aggregate classification (germline): Uncertain significance (1 of 4 stars; one submission).

Conditions:
Ehlers-Danlos syndrome, kyphoscoliotic type 1 (EDSKSCL1). Also called: PLOD1-Related Kyphoscoliotic Ehlers-Danlos Syndrome; Ehlers-Danlos syndrome, hydroxylysine-deficient; EHLERS-DANLOS SYNDROME, TYPE VIA; EHLERS-DANLOS SYNDROME, OCULAR-SCOLIOTIC TYPE. Identifiers: Orphanet 1900, MedGen C0268342, MONDO:0016002, OMIM 225400. Disease mechanism: loss of function.

gnomAD v4.1: 1 of 1,612,880 alleles (0.000062%); no homozygotes.

Submission:

Labcorp Genetics (formerly Invitae), Labcorp
Classification: Uncertain significance for Ehlers-Danlos syndrome, kyphoscoliotic type 1. Last evaluated: 2021-08-26. Review status: criteria provided, single submitter. Criteria: Invitae Variant Classification Sherloc (09022015). Collection method: clinical testing. Allele origin: germline.
Comment: This sequence change replaces leucine with tryptophan at codon 188 of the PLOD1 protein (p.Leu188Trp). The leucine residue is highly conserved and there is a small physicochemical difference between leucine and tryptophan. This variant is not present in population databases (ExAC no frequency). This variant has not been reported in the literature in individuals affected with PLOD1-related conditions. Algorithms developed to predict the effect of missense changes on protein structure and function (SIFT, PolyPhen-2, Align-GVGD) all suggest that this variant is likely to be disruptive. In summary, the available evidence is currently insufficient to determine the role of this variant in disease. Therefore, it has been classified as a Variant of Uncertain Significance.